The following is an entry in ClinVar:

NM_133433.4(NIPBL):c.6163G>A (p.Val2055Ile)

Gene: NIPBL (NIPBL cohesin loading factor; plus strand). Cytogenetic location: 5p13.2.
Variant type: single nucleotide variant.
Coding change: c.6163G>A on transcript NM_133433.4 (MANE Select); coding-DNA position 6163, G replaced by A.
Protein change: p.Val2055Ile; replaces valine 2055 with isoleucine.
Molecular consequence: missense variant.
Genome position (GRCh38, 1-based): chr5:37,044,401, G>A. VCF-style: chr5-37044401-G-A. GRCh37 (hg19) VCF-style: chr5-37044503-G-A.
Other names: c.6163G>A, p.Val2055Ile (NM_015384.5); short protein forms V2055I.
Identifiers: ClinVar variation 2655427 (VCV002655427.24), dbSNP rs2478576297, ClinGen allele CA359501988.
Genomic context (GRCh38, chr5:37,044,401, plus strand): 5'-TTATAGACGCAAAATGATTTCATGGTTATCTGCAATGTTGCAAAAATCCTAGAGCTAGTT[G>A]TACCACTGATGGAGCATCCAAGTGAAACTTTTCTTGCCACTATTGAGGAAGATCTAATGA-3'
Protein context (NP_597677.2, residues 2045-2065): CNVAKILELV[Val2055Ile]PLMEHPSETF

ClinVar aggregate classification (germline): Uncertain significance (1 of 4 stars; one submission).

Allele frequency attached by ClinVar (database versions not stated): gnomAD exomes below 0.00001.
gnomAD v4.1: 1 of 1,613,904 alleles (0.000062%); highest among the groups gnomAD compares: South Asian, 0.0011%; no homozygotes.

Submission:

CeGaT Center for Human Genetics Tuebingen
Classification: Uncertain significance. Last evaluated: 2022-10-01. Review status: criteria provided, single submitter. Criteria: CeGaT Center For Human Genetics Tuebingen Variant Classification Criteria Version 2. Collection method: clinical testing. Allele origin: germline. Affected: yes. Observed: 1 variant allele.
Comment: NIPBL: PM2